The following is an entry in ClinVar:

NM_001009999.3(KDM1A):c.2431C>A (p.Pro811Thr)

Gene: KDM1A (lysine demethylase 1A; plus strand). Cytogenetic location: 1p36.12.
Variant type: single nucleotide variant.
Coding change: c.2431C>A on transcript NM_001009999.3 (MANE Select); coding-DNA position 2431, C replaced by A.
Protein change: p.Pro811Thr; replaces proline 811 with threonine.
Molecular consequence: missense variant.
Genome position (GRCh38, 1-based): chr1:23,082,352, C>A. VCF-style: chr1-23082352-C-A. GRCh37 (hg19) VCF-style: chr1-23408845-C-A.
Other names: c.2377C>A, p.Pro793Thr (NM_001363654.2); c.2437C>A, p.Pro813Thr (NM_001410762.1); c.2359C>A, p.Pro787Thr (NM_001410763.1, NM_015013.4); short protein forms P787T, P793T, P813T, P811T.
Identifiers: ClinVar variation 3532907 (VCV003532907.1).

ClinVar aggregate classification (germline): Uncertain significance (1 of 4 stars; one submission).

Conditions:
Inborn genetic diseases. Identifiers: MedGen C0950123, MeSH D030342.

Submission:

Ambry Genetics
Classification: Uncertain significance for Inborn genetic diseases. Last evaluated: 2024-11-18. Review status: criteria provided, single submitter. Criteria: Ambry Variant Classification Scheme 2023. Collection method: clinical testing. Allele origin: germline.
Comment: The p.P811T variant (also known as c.2431C>A), located in coding exon 20 of the KDM1A gene, results from a C to A substitution at nucleotide position 2431. The proline at codon 811 is replaced by threonine, an amino acid with highly similar properties. This amino acid position is conserved. In addition, the in silico prediction for this alteration is inconclusive. Based on the available evidence, the clinical significance of this variant remains unclear.